The following is an entry in ClinVar:

ClinVar aggregate classification (germline): Uncertain significance (1 of 4 stars; one submission).

Conditions:
Carnitine acylcarnitine translocase deficiency (CACTD). Identifiers: Orphanet 159, MedGen C0342791, MONDO:0008918, OMIM 212138.

Allele frequency attached by ClinVar (database versions not stated): gnomAD exomes 0.00001.
gnomAD v4.1: 3 of 1,613,626 alleles (0.00019%); highest among the groups gnomAD compares: Admixed American, 0.005%; no homozygotes.

Submission:

Labcorp Genetics (formerly Invitae), Labcorp
Classification: Uncertain significance for Carnitine acylcarnitine translocase deficiency. Last evaluated: 2022-07-06. Review status: criteria provided, single submitter. Criteria: Invitae Variant Classification Sherloc (09022015). Collection method: clinical testing. Allele origin: germline.
Comment: This sequence change disrupts the translational stop signal of the SLC25A20 mRNA. It is expected to extend the length of the SLC25A20 protein by 2 additional amino acid residues. This variant is present in population databases (no rsID available, gnomAD 0.009%). This variant has not been reported in the literature in individuals affected with SLC25A20-related conditions. ClinVar contains an entry for this variant (Variation ID: 1474065). In summary, the available evidence is currently insufficient to determine the role of this variant in disease. Therefore, it has been classified as a Variant of Uncertain Significance.

NM_000387.6(SLC25A20):c.906A>G (p.Ter302Trp)

Gene: SLC25A20 (solute carrier family 25 member 20; minus strand). Cytogenetic location: 3p21.31.
Variant type: single nucleotide variant.
Coding change: c.906A>G on transcript NM_000387.6 (MANE Select); coding-DNA position 906, A replaced by G.
Protein change: p.Ter302Trp.
Molecular consequence: stop lost.
Genome position (GRCh38, 1-based): chr3:48,857,710, T>C on the plus strand (A>G on the coding strand, the complement: SLC25A20 is on the minus strand). VCF-style: chr3-48857710-T-C. GRCh37 (hg19) VCF-style: chr3-48895143-T-C.
Identifiers: ClinVar variation 1474065 (VCV001474065.5), dbSNP rs939873864, ClinGen allele CA73980407.
Genomic context (GRCh38, chr3:48,857,710, plus strand): 5'-ACTCCTTCTCCTCAACGACAGCTTCCAGCATCCAGAAGTGAACTTGAGCAGCCTTCAGCC[T>C]CACAAGTTGGGGGTGGCCCAATTAAGGAACTTCATGGCAACTTCAAAGCCAAGGAAACAG-3'